The following is an entry in ClinVar:

ClinVar aggregate classification (germline): Benign. Review status: criteria provided, multiple submitters, no conflicts (2 of 4 stars). 12 submissions from 12 submitters: Benign (9). 3 of the submissions do not count toward it. Last evaluated 2026-02-02.

Conditions:
Brugada syndrome 8 (BRGDA8). Identifiers: Orphanet 130, MedGen C2751083, MONDO:0013148, OMIM 613123.
Sick sinus syndrome 2, autosomal dominant (SSS2). Also called: ATRIAL FIBRILLATION WITH BRADYARRHYTHMIA; SICK SINUS SYNDROME 2; SICK SINUS SYNDROME 2 WITH OR WITHOUT CARDIAC NONCOMPACTION AND/OR ASCENDING AORTA DILATION; SINUS BRADYCARDIA SYNDROME, FAMILIAL, AUTOSOMAL DOMINANT; SINUS NODE DISEASE, FAMILIAL, AUTOSOMAL DOMINANT. Identifiers: Orphanet 166282, MedGen C1834144, MONDO:0008102, OMIM 163800.

Allele frequency attached by ClinVar (database versions not stated): gnomAD exomes 0.00178 and 0.00357; ESP Exome Variant Server 0.00269; gnomAD 0.00295 and 0.00320; TOPMed 0.00311; ExAC 0.00376; 1000 Genomes Project 0.00379; 1000 Genomes Project 30x 0.00406.
gnomAD v4.1: 3,128 of 1,613,294 alleles (0.19%); highest among the groups gnomAD compares: South Asian, 1.7%; 26 homozygotes.

Submissions (12):

Labcorp Genetics (formerly Invitae), Labcorp
Classification: Benign for Brugada syndrome 8. Last evaluated: 2026-02-02. Review status: criteria provided, single submitter. Criteria: Invitae Variant Classification Sherloc (09022015). Collection method: clinical testing. Allele origin: germline.

Molecular Diagnostic Laboratory for Inherited Cardiovascular Disease, Montreal Heart Institute
Classification: Benign. Last evaluated: 2025-04-09. Review status: criteria provided, single submitter. Criteria: ACMG Guidelines, 2015. Collection method: clinical testing. Allele origin: germline. Affected: no.

Women's Health and Genetics/Laboratory Corporation of America, LabCorp
Classification: Benign. Last evaluated: 2023-11-06. Review status: criteria provided, single submitter. Criteria: LabCorp Variant Classification Summary - May 2015. Collection method: clinical testing. Allele origin: germline.

Mayo Clinic Laboratories, Mayo Clinic
Classification: Benign. Last evaluated: 2023-05-17. Review status: criteria provided, single submitter. Criteria: ACMG Guidelines, 2015. Collection method: clinical testing. Allele origin: germline. Observed: 5 variant alleles.
Comment: BS1, BS2, BP4, BP7

Athena Diagnostics
Classification: Benign. Last evaluated: 2018-06-20. Review status: criteria provided, single submitter. Criteria: Athena Diagnostics Criteria. Collection method: clinical testing. Allele origin: germline.

Illumina Laboratory Services, Illumina
Classification: Benign for Sick sinus syndrome 2, autosomal dominant. Last evaluated: 2018-01-13. Review status: criteria provided, single submitter. Criteria: ICSL Variant Classification Criteria 13 December 2019. Collection method: clinical testing. Allele origin: germline.
Comment: This variant was observed in the ICSL laboratory as part of a predisposition screen in an ostensibly healthy population. It had not been previously curated by ICSL or reported in the Human Gene Mutation Database (HGMD: prior to June 1st, 2018), and was therefore a candidate for classification through an automated scoring system. Utilizing variant allele frequency, disease prevalence and penetrance estimates, and inheritance mode, an automated score was calculated to assess if this variant is too frequent to cause the disease. Based on the score and internal cut-off values, a variant classified as benign is not then subjected to further curation. The score for this variant resulted in a classification of benign for this disease.

Eurofins Ntd Llc (ga)
Classification: Benign. Last evaluated: 2016-01-07. Review status: criteria provided, single submitter. Criteria: EGL Classification Definitions 2015. Collection method: clinical testing. Allele origin: germline. Observed: 1 variant allele, 1 heterozygote.

GeneDx
Classification: Benign. Last evaluated: 2014-08-28. Review status: criteria provided, single submitter. Criteria: GeneDx Variant Classification (06012015). Collection method: clinical testing. Allele origin: germline. Affected: yes.
Comment: This variant is considered likely benign or benign based on one or more of the following criteria: it is a conservative change, it occurs at a poorly conserved position in the protein, it is predicted to be benign by multiple in silico algorithms, and/or has population frequency not consistent with disease.

Breakthrough Genomics
Classification: Benign. Review status: criteria provided, single submitter. Criteria: ACMG Guidelines, 2015. Collection method: not provided. Allele origin: germline. Inheritance: Autosomal dominant inheritance. Affected: yes.

Clinical Genetics DNA and cytogenetics Diagnostics Lab, Erasmus MC, Erasmus Medical Center
Classification: Benign. Review status: no assertion criteria provided. Collection method: clinical testing. Allele origin: germline. Affected: yes. Study: VKGL Data-share Consensus. Not counted in ClinVar's aggregate classification.

Clinical Genetics, Academic Medical Center
Classification: Benign. Review status: no assertion criteria provided. Collection method: clinical testing. Allele origin: germline. Affected: yes. Study: VKGL Data-share Consensus. Not counted in ClinVar's aggregate classification.

Genome Diagnostics Laboratory, University Medical Center Utrecht
Classification: Benign. Review status: no assertion criteria provided. Collection method: clinical testing. Allele origin: germline. Affected: yes. Study: VKGL Data-share Consensus. Not counted in ClinVar's aggregate classification.

NM_005477.3(HCN4):c.1371+8C>T

Gene: HCN4 (hyperpolarization activated cyclic nucleotide gated potassium channel 4; minus strand). Cytogenetic location: 15q24.1.
Variant type: single nucleotide variant.
Coding change: c.1371+8C>T on transcript NM_005477.3 (MANE Select); 8 bases into the intron after coding-DNA position 1371, C replaced by T.
Molecular consequence: intron variant.
Genome position (GRCh38, 1-based): chr15:73,332,123, G>A on the plus strand (C>T on the coding strand, the complement: HCN4 is on the minus strand). VCF-style: chr15-73332123-G-A. GRCh37 (hg19) VCF-style: chr15-73624464-G-A.
Other names: p.?.
Identifiers: ClinVar variation 190768 (VCV000190768.27), dbSNP rs199838832, ClinGen allele CA199742.